The following is an entry in ClinVar:

NM_000175.5(GPI):c.1574T>C (p.Ile525Thr)

Gene: GPI (glucose-6-phosphate isomerase; plus strand). Cytogenetic location: 19q13.11.
Variant type: single nucleotide variant.
Coding change: c.1574T>C on transcript NM_000175.5 (MANE Select); coding-DNA position 1574, T replaced by C.
Protein change: p.Ile525Thr; replaces isoleucine 525 with threonine.
Molecular consequence: missense variant.
Genome position (GRCh38, 1-based): chr19:34,399,933, T>C. VCF-style: chr19-34399933-T-C. GRCh37 (hg19) VCF-style: chr19-34890838-T-C.
Other names: I524T; c.1574T>C, p.Ile525Thr (LRG_1178t1, NM_001329909.1, NM_001329910.1); c.1607T>C, p.Ile536Thr (NM_001184722.1); c.1691T>C, p.Ile564Thr (NM_001289789.1); c.1490T>C, p.Ile497Thr (NM_001289790.3); c.1547T>C, p.Ile516Thr (NM_001329911.2); c.1574T>C (NM_000175.3); short protein forms I525T, I536T, I516T, I497T, I564T.
Identifiers: ClinVar variation 13641 (VCV000013641.8), dbSNP rs137853584, ClinGen allele CA123315.

ClinVar aggregate classification (germline): Conflicting classifications of pathogenicity. Review status: criteria provided, conflicting classifications (1 of 4 stars). 4 submissions from 4 submitters: Likely pathogenic (2); Uncertain significance (1). 1 of the submissions does not count toward it. Last evaluated 2025-07-27.

Conditions:
Inborn genetic diseases. Identifiers: MedGen C0950123, MeSH D030342.
Hemolytic anemia due to glucophosphate isomerase deficiency (CNSHA4). Also called: ANEMIA, CONGENITAL, NONSPHEROCYTIC HEMOLYTIC, 4. Identifiers: Orphanet 712, MedGen C0272064, MONDO:0013275, OMIM 613470.

Allele frequency attached by ClinVar (database versions not stated): gnomAD 0.00001; TOPMed below 0.00001.
gnomAD v4.1: 29 of 1,613,684 alleles (0.0018%); highest among the groups gnomAD compares: South Asian, 0.0088%; no homozygotes.

Submissions (4):

Labcorp Genetics (formerly Invitae), Labcorp
Classification: Likely pathogenic. Last evaluated: 2025-07-27. Review status: criteria provided, single submitter. Criteria: Invitae Variant Classification Sherloc (09022015). Collection method: clinical testing. Allele origin: germline.
Comment: This sequence change replaces isoleucine, which is neutral and non-polar, with threonine, which is neutral and polar, at codon 525 of the GPI protein (p.Ile525Thr). This variant is present in population databases (rs137853584, gnomAD 0.02%). This missense change has been observed in individual(s) with GPI-related conditions (PMID: 8499925, 31133865). ClinVar contains an entry for this variant (Variation ID: 13641). Invitae Evidence Modeling of protein sequence and biophysical properties (such as structural, functional, and spatial information, amino acid conservation, physicochemical variation, residue mobility, and thermodynamic stability) has been performed for this missense variant. However, the output from this modeling did not meet the statistical confidence thresholds required to predict the impact of this variant on GPI protein function. Experimental studies have shown that this missense change affects GPI function (PMID: 19064002). In summary, the currently available evidence indicates that the variant is pathogenic, but additional data are needed to prove that conclusively. Therefore, this variant has been classified as Likely Pathogenic.

Ambry Genetics
Classification: Uncertain significance for Inborn genetic diseases. Last evaluated: 2021-09-29. Review status: criteria provided, single submitter. Criteria: Ambry Variant Classification Scheme 2023. Collection method: clinical testing. Allele origin: germline.
Comment: The c.1574T>C (p.I525T) alteration is located in exon 18 (coding exon 18) of the GPI gene. This alteration results from a T to C substitution at nucleotide position 1574, causing the isoleucine (I) at amino acid position 525 to be replaced by a threonine (T). Based on data from gnomAD, the C allele has an overall frequency of <0.01% (7/251366) total alleles studied. The highest observed frequency was 0.02% (6/30616) of South Asian alleles. This alteration has been reported in the homozygous state in patients with chronic anemia and reduced GPI activity (Walker, 1993; Fermo, 2019). This amino acid position is highly conserved in available vertebrate species. In vitro expression studies in E.coli showed that p.I525T significantly reduced residual enzyme activity and dimer fraction in response to SDS compared to wild type (Lin, 2009). This alteration is predicted to be deleterious by in silico analysis. Based on insufficient or conflicting evidence, the clinical significance of this alteration remains unclear.

Watson Genetic Lab
Classification: Likely pathogenic for Hemolytic anemia due to glucophosphate isomerase deficiency. Review status: criteria provided, single submitter. Criteria: ACMG Guidelines, 2015. Collection method: clinical testing. Allele origin: germline. Inheritance: Autosomal recessive inheritance. Affected: yes. Observed: 1 compound heterozygote.

OMIM
Classification: Pathogenic for ANEMIA, CONGENITAL NONSPHEROCYTIC HEMOLYTIC, 4. Last evaluated: 1993-03-01. Review status: no assertion criteria provided. Collection method: literature only. Allele origin: germline. Not counted in ClinVar's aggregate classification.

Literature cited by the submitters: PubMed 8499925 (cited by 3 submitters); PubMed 31133865 (cited by Labcorp Genetics (formerly Invitae), Labcorp and Ambry Genetics); PubMed 19064002 (cited by Labcorp Genetics (formerly Invitae), Labcorp and Ambry Genetics).